The following is an entry in ClinVar:

ClinVar aggregate classification (germline): Uncertain significance (1 of 4 stars; one submission).

gnomAD v4.1: 3 of 1,614,166 alleles (0.00019%); highest among the groups gnomAD compares: Middle Eastern, 0.016%; no homozygotes.

Submission:

Dasa
Classification: Uncertain significance. Last evaluated: 2025-02-18. Review status: criteria provided, single submitter. Criteria: DASA Assertion Criteria. Collection method: clinical testing. Allele origin: germline.
Comment: NM_001281740.3(FHOD3):c.3532A>G (p.Ile1178Val) is a missense variant that results in the substitution of isoleucine with valine. This variant is rare in population databases. Computational prediction algorithms are consistent with a benign effect. The currently available literature and clinical evidence are not sufficient to establish a definitive association between this variant and the reported condition. Therefore, this variant is classified as a variant of uncertain significance.

NM_001281740.3(FHOD3):c.3532A>G (p.Ile1178Val)

Gene: FHOD3 (formin homology 2 domain containing 3; plus strand). Cytogenetic location: 18q12.2.
Variant type: single nucleotide variant.
Coding change: c.3532A>G on transcript NM_001281740.3 (MANE Select); coding-DNA position 3532, A replaced by G.
Protein change: p.Ile1178Val; replaces isoleucine 1178 with valine.
Molecular consequence: missense variant.
Genome position (GRCh38, 1-based): chr18:36,730,760, A>G. VCF-style: chr18-36730760-A-G. GRCh37 (hg19) VCF-style: chr18-34310723-A-G.
Other names: c.2956A>G, p.Ile986Val (NM_001281739.3); c.3007A>G, p.Ile1003Val (NM_025135.5); short protein forms I1003V, I1178V, I986V.
Identifiers: ClinVar variation 4883502 (VCV004883502.2).
Genomic context (GRCh38, chr18:36,730,760, plus strand): 5'-AGTAACGCCATCAATATTGGTCTGACGGTGCTGCCCCCTCCAAGGACGATTAAGATCGCC[A>G]TTTTGAATTTTGATGAGTATGCCTTAAACAAAGAAGGAATCGAGGTGAGGGAAGCTCTAT-3'
Protein context (NP_001268669.1, residues 1168-1188): LPPPRTIKIA[Ile1178Val]LNFDEYALNK